The following is an entry in ClinVar:

ClinVar aggregate classification (germline): Uncertain significance (1 of 4 stars; one submission).

Conditions:
Neuropathy, hereditary sensory and autonomic, type 2A (HSAN2A). Also called: WNK1-Related HSAN2 (HSAN2A); ACROOSTEOLYSIS, GIACCAI TYPE; ACROOSTEOLYSIS, NEUROGENIC; NEUROPATHY, CONGENITAL SENSORY; NEUROPATHY, HEREDITARY SENSORY RADICULAR, AUTOSOMAL RECESSIVE; NEUROPATHY, HEREDITARY SENSORY, TYPE IIA. Identifiers: Orphanet 970, MedGen C2752089, MONDO:0024309, OMIM 201300.
Generalized epilepsy with febrile seizures plus, type 7 (GEFSP7). Also called: GEFS+, TYPE 7. Identifiers: Orphanet 36387, MedGen C2751778, MONDO:0013470, OMIM 613863.

Allele frequency attached by ClinVar (database versions not stated): TOPMed below 0.00001; gnomAD 0.00001.

Submission:

Labcorp Genetics (formerly Invitae), Labcorp
Classification: Uncertain significance for Neuropathy, hereditary sensory and autonomic, type 2A; Generalized epilepsy with febrile seizures plus, type 7. Last evaluated: 2022-08-24. Review status: criteria provided, single submitter. Criteria: Invitae Variant Classification Sherloc (09022015). Collection method: clinical testing. Allele origin: germline.
Comment: In summary, the available evidence is currently insufficient to determine the role of this variant in disease. Therefore, it has been classified as a Variant of Uncertain Significance. Algorithms developed to predict the effect of missense changes on protein structure and function (SIFT, PolyPhen-2, Align-GVGD) all suggest that this variant is likely to be tolerated. This variant has not been reported in the literature in individuals affected with SCN9A-related conditions. This variant is present in population databases (no rsID available, gnomAD 0.007%). This sequence change replaces methionine, which is neutral and non-polar, with lysine, which is basic and polar, at codon 1135 of the SCN9A protein (p.Met1135Lys).

NM_001365536.1(SCN9A):c.3437T>A (p.Met1146Lys)

Genes: SCN1A-AS1 (SCN1A and SCN9A antisense RNA 1; plus strand), SCN9A (sodium voltage-gated channel alpha subunit 9; minus strand). Cytogenetic location: 2q24.3.
Variant type: single nucleotide variant.
Coding change: c.3437T>A on transcript NM_001365536.1 (MANE Select); coding-DNA position 3437, T replaced by A.
Protein change: p.Met1146Lys; replaces methionine 1146 with lysine.
Molecular consequence: missense variant. On other transcripts: non-coding transcript variant (1).
Genome position (GRCh38, 1-based): chr2:166,251,800, A>T on the plus strand (T>A on the coding strand, the complement: SCN9A is on the minus strand). VCF-style: chr2-166251800-A-T. GRCh37 (hg19) VCF-style: chr2-167108310-A-T.
Other names: c.3404T>A, p.Met1135Lys (NM_002977.4); short protein forms M1135K, M1146K.
Identifiers: ClinVar variation 2069487 (VCV002069487.4), dbSNP rs1400653184, ClinGen allele CA349071877.